The following is an entry in ClinVar:

ClinVar aggregate classification (germline): Uncertain significance (1 of 4 stars; one submission).

Allele frequency attached by ClinVar (database versions not stated): gnomAD exomes below 0.00001.
gnomAD v4.1: 1 of 1,614,142 alleles (0.000062%); highest among the groups gnomAD compares: East Asian, 0.0022%; no homozygotes.

Submission:

Ambry Genetics
Classification: Uncertain significance. Last evaluated: 2023-09-06. Review status: criteria provided, single submitter. Criteria: Ambry Variant Classification Scheme 2023. Collection method: clinical testing. Allele origin: germline.
Comment: The p.A402G variant (also known as c.1205C>G), located in coding exon 6 of the GALNT12 gene, results from a C to G substitution at nucleotide position 1205. The alanine at codon 402 is replaced by glycine, an amino acid with similar properties. This amino acid position is conserved. In addition, the in silico prediction for this alteration is inconclusive. Since supporting evidence is limited at this time, the clinical significance of this alteration remains unclear.

NM_024642.5(GALNT12):c.1205C>G (p.Ala402Gly)

Gene: GALNT12 (polypeptide N-acetylgalactosaminyltransferase 12; plus strand). Cytogenetic location: 9q22.33.
Variant type: single nucleotide variant.
Coding change: c.1205C>G on transcript NM_024642.5 (MANE Select); coding-DNA position 1205, C replaced by G.
Protein change: p.Ala402Gly; replaces alanine 402 with glycine.
Molecular consequence: missense variant.
Genome position (GRCh38, 1-based): chr9:98,837,141, C>G. VCF-style: chr9-98837141-C-G. GRCh37 (hg19) VCF-style: chr9-101599423-C-G.
Other names: short protein forms A402G.
Identifiers: ClinVar variation 2586478 (VCV002586478.2), dbSNP rs2118452331, ClinGen allele CA374220079.